The following is an entry in ClinVar:

ClinVar aggregate classification (germline): Uncertain significance. Review status: criteria provided, multiple submitters, no conflicts (2 of 4 stars). 4 submissions from 4 submitters: Uncertain significance (4). Last evaluated 2024-08-12.

Conditions:
Inborn genetic diseases. Identifiers: MedGen C0950123, MeSH D030342.
Coronary artery disease, autosomal dominant 2 (ADCAD2). Identifiers: MedGen C1970440, MONDO:0012586, OMIM 610947.

Allele frequency attached by ClinVar (database versions not stated): ExAC 0.00003; gnomAD exomes 0.00003; TOPMed 0.00003; gnomAD 0.00005 and 0.00006.
gnomAD v4.1: 52 of 1,611,080 alleles (0.0032%); highest among the groups gnomAD compares: Middle Eastern, 0.016%; no homozygotes.

Submissions (4):

Ambry Genetics
Classification: Uncertain significance for Inborn genetic diseases. Last evaluated: 2024-08-12. Review status: criteria provided, single submitter. Criteria: Ambry Variant Classification Scheme 2023. Collection method: clinical testing. Allele origin: germline.

Genomic Medicine Center of Excellence, King Faisal Specialist Hospital and Research Centre
Classification: Uncertain significance for Coronary artery disease, autosomal dominant 2. Last evaluated: 2024-04-04. Review status: criteria provided, single submitter. Criteria: ACMG Guidelines, 2015. Collection method: clinical testing. Allele origin: germline.

Blueprint Genetics
Classification: Uncertain significance. Last evaluated: 2023-02-14. Review status: criteria provided, single submitter. Criteria: ACMG Guidelines, 2015. Collection method: clinical testing. Allele origin: germline.

Labcorp Genetics (formerly Invitae), Labcorp
Classification: Uncertain significance. Last evaluated: 2022-10-14. Review status: criteria provided, single submitter. Criteria: Invitae Variant Classification Sherloc (09022015). Collection method: clinical testing. Allele origin: germline.
Comment: This sequence change replaces aspartic acid, which is acidic and polar, with asparagine, which is neutral and polar, at codon 470 of the CAD protein (p.Asp470Asn). This variant is present in population databases (rs748934301, gnomAD 0.006%). This variant has not been reported in the literature in individuals affected with CAD-related conditions. ClinVar contains an entry for this variant (Variation ID: 1524709). Advanced modeling of protein sequence and biophysical properties (such as structural, functional, and spatial information, amino acid conservation, physicochemical variation, residue mobility, and thermodynamic stability) performed at Invitae indicates that this missense variant is not expected to disrupt CAD protein function. In summary, the available evidence is currently insufficient to determine the role of this variant in disease. Therefore, it has been classified as a Variant of Uncertain Significance.

NM_004341.5(CAD):c.1408G>A (p.Asp470Asn)

Gene: CAD (carbamoyl-phosphate synthetase 2, aspartate transcarbamylase, and dihydroorotase; plus strand). Cytogenetic location: 2p23.3.
Variant type: single nucleotide variant.
Coding change: c.1408G>A on transcript NM_004341.5 (MANE Select); coding-DNA position 1408, G replaced by A.
Protein change: p.Asp470Asn; replaces aspartic acid 470 with asparagine.
Molecular consequence: missense variant.
Genome position (GRCh38, 1-based): chr2:27,225,031, G>A. VCF-style: chr2-27225031-G-A. GRCh37 (hg19) VCF-style: chr2-27447899-G-A.
Other names: c.1408G>A, p.Asp470Asn (NM_001306079.2); c.1408G>A (NM_004341.3); short protein forms D470N.
Identifiers: ClinVar variation 1524709 (VCV001524709.6), dbSNP rs748934301, ClinGen allele CA1572719.
Genomic context (GRCh38, chr2:27,225,031, plus strand): 5'-CAAGGTTCTGATGCCTGTAACTCCCCTCTCCATCCTCAGGTGATACGTAATGAACGCCCC[G>A]ATGGTGTGTTACTGACTTTTGGGGGCCAGACTGCTCTGAACTGTGGTGTGGAGCTGACCA-3'
Protein context (NP_004332.2, residues 460-480): VTQVIRNERP[Asp470Asn]GVLLTFGGQT